The following is an entry in ClinVar:

NM_005235.3(ERBB4):c.1026G>A (p.Leu342=)

Gene: ERBB4 (erb-b2 receptor tyrosine kinase 4; minus strand). Cytogenetic location: 2q34.
Variant type: single nucleotide variant.
Coding change: c.1026G>A on transcript NM_005235.3 (MANE Select); coding-DNA position 1026, G replaced by A.
Protein change: p.Leu342=; no amino-acid change (leucine 342 retained).
Molecular consequence: synonymous variant.
Genome position (GRCh38, 1-based): chr2:211,712,148, C>T on the plus strand (G>A on the coding strand, the complement: ERBB4 is on the minus strand). VCF-style: chr2-211712148-C-T. GRCh37 (hg19) VCF-style: chr2-212576873-C-T.
Other names: c.1026G>A, p.Leu342= (NM_001042599.2).
Identifiers: ClinVar variation 1586927 (VCV001586927.10), dbSNP rs149272231, ClinGen allele CA2088253.
Genomic context (GRCh38, chr2:211,712,148, plus strand): 5'-GATCTTGGTACAGTTTATGAATTTGTCAATGTTACTGGAATCCACAGTCTGAGCTGACAT[C>T]AATGATCCTGTGCCAATGCCATCACAAGCTGTAGAAACAAGACTCAGAGTTAGGGGATTG-3'
Protein context (NP_005226.1, residues 332-352): KACDGIGTGS[Leu342=]MSAQTVDSSN

ClinVar aggregate classification (germline): Likely benign. Review status: criteria provided, single submitter (1 of 4 stars). 2 submissions from 2 submitters: Likely benign (1). 1 of the submissions does not count toward it. Last evaluated 2025-08-26.

Conditions:
ERBB4-related disorder. Also called: ERBB4-related condition.

Allele frequency attached by ClinVar (database versions not stated): gnomAD exomes 0.00002 and 0.00007; ExAC 0.00009; gnomAD 0.00023 and 0.00025; TOPMed 0.00026; ESP Exome Variant Server 0.00069.
gnomAD v4.1: 71 of 1,613,234 alleles (0.0044%); highest among the groups gnomAD compares: African/African-American, 0.064%; no homozygotes.

Submissions (2):

Labcorp Genetics (formerly Invitae), Labcorp
Classification: Likely benign. Last evaluated: 2025-08-26. Review status: criteria provided, single submitter. Criteria: Invitae Variant Classification Sherloc (09022015). Collection method: clinical testing. Allele origin: germline.

PreventionGenetics, part of Exact Sciences
Classification: Likely benign for ERBB4-related condition. Last evaluated: 2019-05-01. Review status: no assertion criteria provided. Collection method: clinical testing. Allele origin: germline. Not counted in ClinVar's aggregate classification.
Comment: This variant is classified as likely benign based on ACMG/AMP sequence variant interpretation guidelines (Richards et al. 2015 PMID: 25741868, with internal and published modifications).